The following is an entry in ClinVar:

ClinVar aggregate classification (germline): Benign (1 of 4 stars; one submission).

Allele frequency attached by ClinVar (database versions not stated): 1000 Genomes Project 0.11362; gnomAD 0.11726 and 0.12486; 1000 Genomes Project 30x 0.11743; TOPMed 0.13187.
gnomAD v4.1: 17,839 of 152,278 alleles (12%); highest among the groups gnomAD compares: African/African-American, 32%; 2,170 homozygotes.

Submission:

GeneDx
Classification: Benign. Last evaluated: 2018-06-14. Review status: criteria provided, single submitter. Criteria: GeneDx Variant Classification (06012015). Collection method: clinical testing. Allele origin: germline. Affected: yes.
Comment: This variant is considered likely benign or benign based on one or more of the following criteria: it is a conservative change, it occurs at a poorly conserved position in the protein, it is predicted to be benign by multiple in silico algorithms, and/or has population frequency not consistent with disease.

NM_002047.4(GARS1):c.569+173T>C

Gene: GARS1 (glycyl-tRNA synthetase 1; plus strand). Cytogenetic location: 7p14.3.
Variant type: single nucleotide variant.
Coding change: c.569+173T>C on transcript NM_002047.4 (MANE Select); 173 bases into the intron after coding-DNA position 569, T replaced by C.
Molecular consequence: intron variant.
Genome position (GRCh38, 1-based): chr7:30,601,373, T>C. VCF-style: chr7-30601373-T-C. GRCh37 (hg19) VCF-style: chr7-30640989-T-C.
Other names: c.407+173T>C (NM_001316772.1).
Identifiers: ClinVar variation 674078 (VCV000674078.1), dbSNP rs10280491, ClinGen allele CA12630068.